The following is an entry in ClinVar:

NM_025219.3(DNAJC5):c.563C>T (p.Ser188Phe)

Gene: DNAJC5 (DnaJ heat shock protein family (Hsp40) member C5; plus strand). Cytogenetic location: 20q13.33.
Variant type: single nucleotide variant.
Coding change: c.563C>T on transcript NM_025219.3 (MANE Select); coding-DNA position 563, C replaced by T.
Protein change: p.Ser188Phe; replaces serine 188 with phenylalanine.
Molecular consequence: missense variant.
Genome position (GRCh38, 1-based): chr20:63,931,534, C>T. VCF-style: chr20-63931534-C-T. GRCh37 (hg19) VCF-style: chr20-62562887-C-T.
Other names: c.563C>T (NM_025219.2); short protein forms S188F.
Identifiers: ClinVar variation 2159688 (VCV002159688.7), dbSNP rs753155376, ClinGen allele CA9969810.
Genomic context (GRCh38, chr20:63,931,534, plus strand): 5'-ACACGCCGATCGTCATACAGCCGGCATCCGCCACCGAGACCACCCAGCTCACAGCCGACT[C>T]CCACCCCAGCTACCACACTGACGGGTTCAACTAAATCCAGGAGGAGCTGTGGTCAGAGGA-3'
Protein context (NP_079495.1, residues 178-198): ATETTQLTAD[Ser188Phe]HPSYHTDGFN

ClinVar aggregate classification (germline): Uncertain significance. Review status: criteria provided, multiple submitters, no conflicts (2 of 4 stars). 4 submissions from 4 submitters: Uncertain significance (4). Last evaluated 2024-07-15.

Conditions:
Inborn genetic diseases. Identifiers: MedGen C0950123, MeSH D030342.
Neuronal ceroid lipofuscinosis. Also called: Neuronal Ceroid Lipofuscinoses. Identifiers: Orphanet 216, Orphanet 79263, MedGen C0027877, MONDO:0016295. Disease mechanism: loss of function.
Ceroid lipofuscinosis, neuronal, 4 (Kufs type) (CLN4). Also called: Ceroid lipofuscinosis, neuronal, 4, Parry type; Neuronal ceroid lipofuscinosis 4B. Identifiers: Orphanet 228343, Orphanet 79262, MedGen C1834207, MONDO:0008083, OMIM 162350.

Allele frequency attached by ClinVar (database versions not stated): TOPMed below 0.00001; gnomAD 0.00001.

Submissions (4):

ARUP Laboratories, Molecular Genetics and Genomics, ARUP Laboratories
Classification: Uncertain significance for Ceroid lipofuscinosis, neuronal, 4 (Kufs type). Last evaluated: 2024-07-15. Review status: criteria provided, single submitter. Criteria: ARUP Molecular Germline Variant Investigation Process 2024. Collection method: clinical testing. Allele origin: germline.

Ambry Genetics
Classification: Uncertain significance for Inborn genetic diseases. Last evaluated: 2024-01-24. Review status: criteria provided, single submitter. Criteria: Ambry Variant Classification Scheme 2023. Collection method: clinical testing. Allele origin: germline.

Labcorp Genetics (formerly Invitae), Labcorp
Classification: Uncertain significance for Neuronal ceroid lipofuscinosis. Last evaluated: 2024-01-17. Review status: criteria provided, single submitter. Criteria: Invitae Variant Classification Sherloc (09022015). Collection method: clinical testing. Allele origin: germline.
Comment: This sequence change replaces serine, which is neutral and polar, with phenylalanine, which is neutral and non-polar, at codon 188 of the DNAJC5 protein (p.Ser188Phe). The frequency data for this variant in the population databases is considered unreliable, as metrics indicate poor data quality at this position in the gnomAD database. This variant has not been reported in the literature in individuals affected with DNAJC5-related conditions. ClinVar contains an entry for this variant (Variation ID: 2159688). An algorithm developed to predict the effect of missense changes on protein structure and function (PolyPhen-2) suggests that this variant is likely to be tolerated. In summary, the available evidence is currently insufficient to determine the role of this variant in disease. Therefore, it has been classified as a Variant of Uncertain Significance.

GeneDx
Classification: Uncertain significance. Last evaluated: 2023-04-11. Review status: criteria provided, single submitter. Criteria: GeneDx Variant Classification Process June 2021. Collection method: clinical testing. Allele origin: germline. Affected: yes.
Comment: Not observed at significant frequency in large population cohorts (gnomAD); In silico analysis supports that this missense variant does not alter protein structure/function; Has not been previously published as pathogenic or benign to our knowledge